The following is an entry in ClinVar:

ClinVar aggregate classification (germline): Uncertain significance (1 of 4 stars; one submission).

Conditions:
Primary ciliary dyskinesia. Also called: Ciliary dyskinesia. Identifiers: Orphanet 244, MedGen C0008780, MONDO:0016575, HP:0012265.

Allele frequency attached by ClinVar (database versions not stated): ExAC 0.00001; TOPMed 0.00001.
gnomAD v4.1: 9 of 1,613,310 alleles (0.00056%); highest among the groups gnomAD compares: South Asian, 0.0044%; no homozygotes.

Submission:

Labcorp Genetics (formerly Invitae), Labcorp
Classification: Uncertain significance for Primary ciliary dyskinesia. Last evaluated: 2022-04-06. Review status: criteria provided, single submitter. Criteria: Invitae Variant Classification Sherloc (09022015). Collection method: clinical testing. Allele origin: germline.
Comment: This sequence change replaces aspartic acid, which is acidic and polar, with asparagine, which is neutral and polar, at codon 350 of the CCDC40 protein (p.Asp350Asn). This variant is present in population databases (rs771631875, gnomAD 0.003%). This variant has not been reported in the literature in individuals affected with CCDC40-related conditions. Algorithms developed to predict the effect of missense changes on protein structure and function are either unavailable or do not agree on the potential impact of this missense change (SIFT: "Deleterious"; PolyPhen-2: "Benign"; Align-GVGD: "Class C0"). In summary, the available evidence is currently insufficient to determine the role of this variant in disease. Therefore, it has been classified as a Variant of Uncertain Significance.

NM_017950.4(CCDC40):c.1048G>A (p.Asp350Asn)

Gene: CCDC40 (coiled-coil domain 40 molecular ruler complex subunit; plus strand). Cytogenetic location: 17q25.3.
Variant type: single nucleotide variant.
Coding change: c.1048G>A on transcript NM_017950.4 (MANE Select); coding-DNA position 1048, G replaced by A.
Protein change: p.Asp350Asn; replaces aspartic acid 350 with asparagine.
Molecular consequence: missense variant.
Genome position (GRCh38, 1-based): chr17:80,050,172, G>A. VCF-style: chr17-80050172-G-A. GRCh37 (hg19) VCF-style: chr17-78023971-G-A.
Other names: c.1048G>A, p.Asp350Asn (NM_001243342.2, NM_001330508.2); short protein forms D350N.
Identifiers: ClinVar variation 2169820 (VCV002169820.1), dbSNP rs771631875, ClinGen allele CA8813662.